The following is an entry in ClinVar:

ClinVar aggregate classification (germline): Uncertain significance. Review status: criteria provided, multiple submitters, no conflicts (2 of 4 stars). 2 submissions from 2 submitters: Uncertain significance (2). Last evaluated 2022-08-07.

Conditions:
Farber lipogranulomatosis (FRBRL). Also called: Farber's lipogranulomatosis; AC DEFICIENCY; ACID CERAMIDASE DEFICIENCY; CERAMIDASE DEFICIENCY; N-LAURYLSPHINGOSINE DEACYLASE DEFICIENCY; Farber's disease. Identifiers: Orphanet 333, MedGen C0268255, MONDO:0009218, OMIM 228000.

Allele frequency attached by ClinVar (database versions not stated): gnomAD exomes 0.00001 and 0.00002; ExAC 0.00002; gnomAD 0.00002 and 0.00003; TOPMed 0.00005; ESP Exome Variant Server 0.00015.
gnomAD v4.1: 24 of 1,614,028 alleles (0.0015%); highest among the groups gnomAD compares: Non-Finnish European, 0.002%; no homozygotes.

Submissions (2):

Labcorp Genetics (formerly Invitae), Labcorp
Classification: Uncertain significance. Last evaluated: 2022-08-07. Review status: criteria provided, single submitter. Criteria: Invitae Variant Classification Sherloc (09022015). Collection method: clinical testing. Allele origin: germline.
Comment: This sequence change replaces valine, which is neutral and non-polar, with methionine, which is neutral and non-polar, at codon 187 of the ASAH1 protein (p.Val187Met). This variant is present in population databases (rs140561726, gnomAD 0.004%). This variant has not been reported in the literature in individuals affected with ASAH1-related conditions. ClinVar contains an entry for this variant (Variation ID: 909347). Algorithms developed to predict the effect of missense changes on protein structure and function are either unavailable or do not agree on the potential impact of this missense change (SIFT: "Deleterious"; PolyPhen-2: "Probably Damaging"; Align-GVGD: "Class C15"). In summary, the available evidence is currently insufficient to determine the role of this variant in disease. Therefore, it has been classified as a Variant of Uncertain Significance.

Illumina Laboratory Services, Illumina
Classification: Uncertain significance for Farber lipogranulomatosis. Last evaluated: 2018-01-13. Review status: criteria provided, single submitter. Criteria: ICSL Variant Classification Criteria 13 December 2019. Collection method: clinical testing. Allele origin: germline.

NM_177924.5(ASAH1):c.559G>A (p.Val187Met)

Gene: ASAH1 (N-acylsphingosine amidohydrolase 1; minus strand). Cytogenetic location: 8p22.
Variant type: single nucleotide variant.
Coding change: c.559G>A on transcript NM_177924.5 (MANE Select); coding-DNA position 559, G replaced by A.
Protein change: p.Val187Met; replaces valine 187 with methionine.
Molecular consequence: missense variant.
Genome position (GRCh38, 1-based): chr8:18,062,368, C>T on the plus strand (G>A on the coding strand, the complement: ASAH1 is on the minus strand). VCF-style: chr8-18062368-C-T. GRCh37 (hg19) VCF-style: chr8-17919877-C-T.
Other names: c.541G>A, p.Val181Met (NM_001127505.3); c.364G>A, p.Val122Met (NM_001363743.2); c.607G>A, p.Val203Met (NM_004315.6); short protein forms V122M, V187M, V181M, V203M.
Identifiers: ClinVar variation 909347 (VCV000909347.5), dbSNP rs140561726, ClinGen allele CA4650782.